The following is an entry in ClinVar:

NM_181882.3(PRX):c.4231C>T (p.Arg1411Cys)

Gene: PRX (periaxin; minus strand). Cytogenetic location: 19q13.2.
Variant type: single nucleotide variant.
Coding change: c.4231C>T on transcript NM_181882.3 (MANE Select); coding-DNA position 4231, C replaced by T.
Protein change: p.Arg1411Cys; replaces arginine 1411 with cysteine.
Molecular consequence: missense variant. On other transcripts: 3 prime UTR variant (1).
Genome position (GRCh38, 1-based): chr19:40,394,121, G>A on the plus strand (C>T on the coding strand, the complement: PRX is on the minus strand). VCF-style: chr19-40394121-G-A. GRCh37 (hg19) VCF-style: chr19-40900028-G-A.
Other names: c.*4436C>T (NM_020956.2); short protein forms R1411C.
Identifiers: ClinVar variation 568888 (VCV000568888.8), dbSNP rs533966999, ClinGen allele CA9443661.

ClinVar aggregate classification (germline): Uncertain significance. Review status: criteria provided, multiple submitters, no conflicts (2 of 4 stars). 2 submissions from 2 submitters: Uncertain significance (2). Last evaluated 2025-09-16.

Conditions:
Charcot-Marie-Tooth disease type 4. Also called: Charcot-Marie-Tooth disease, type IV; Charcot-Marie-Tooth, Type 4. Identifiers: Orphanet 64749, MedGen C4082197, MONDO:0018995.
PRX-related disorder. Also called: PRX-Related Disorders; PRX-related condition.

Allele frequency attached by ClinVar (database versions not stated): gnomAD exomes 0.00002 and 0.00003; TOPMed 0.00004; ExAC 0.00005; gnomAD 0.00005 and 0.00006; 1000 Genomes Project 30x 0.00016; 1000 Genomes Project 0.00020.
gnomAD v4.1: 43 of 1,603,396 alleles (0.0027%); highest among the groups gnomAD compares: East Asian, 0.022%; no homozygotes.

Submissions (2):

PreventionGenetics, part of Exact Sciences
Classification: Uncertain significance for PRX-related condition. Last evaluated: 2025-09-16. Review status: criteria provided, single submitter. Criteria: ACMG Guidelines, 2015. Collection method: clinical testing. Allele origin: germline.
Comment: The PRX c.4231C>T variant is predicted to result in the amino acid substitution p.Arg1411Cys. To our knowledge, this variant has not been reported in the literature. This variant is reported in 0.015% of alleles in individuals of East Asian descent in gnomAD. At this time, the clinical significance of this variant is uncertain due to the absence of conclusive functional and genetic evidence.

Labcorp Genetics (formerly Invitae), Labcorp
Classification: Uncertain significance for Charcot-Marie-Tooth disease type 4. Last evaluated: 2022-05-30. Review status: criteria provided, single submitter. Criteria: Invitae Variant Classification Sherloc (09022015). Collection method: clinical testing. Allele origin: germline.
Comment: This sequence change replaces arginine, which is basic and polar, with cysteine, which is neutral and slightly polar, at codon 1411 of the PRX protein (p.Arg1411Cys). This variant is present in population databases (rs533966999, gnomAD 0.02%). This variant has not been reported in the literature in individuals affected with PRX-related conditions. ClinVar contains an entry for this variant (Variation ID: 568888). Algorithms developed to predict the effect of missense changes on protein structure and function are either unavailable or do not agree on the potential impact of this missense change (SIFT: "Deleterious"; PolyPhen-2: "Possibly Damaging"; Align-GVGD: "Class C15"). In summary, the available evidence is currently insufficient to determine the role of this variant in disease. Therefore, it has been classified as a Variant of Uncertain Significance.